The following is an entry in ClinVar:

NM_019112.4(ABCA7):c.3612del (p.Pro1205fs)

Gene: ABCA7 (ATP binding cassette subfamily A member 7; plus strand). Cytogenetic location: 19p13.3.
Variant type: Deletion.
Coding change: c.3612del on transcript NM_019112.4 (MANE Select); coding-DNA position 3612, one base deleted (G; older notation c.3612delG).
Protein change: p.Pro1205fs; shifts the reading frame from proline 1205.
Molecular consequence: frameshift variant.
Genome position (GRCh38, 1-based): chr19:1,054,227, G deleted; the last of 3 consecutive G bases (chr19:1,054,225-1,054,227); deleting any one gives the same sequence. VCF-style (leftmost placement, unchanged base first): chr19-1054224-TG-T. GRCh37 (hg19) VCF-style: chr19-1054223-TG-T.
Other names: c.3612delG (NM_019112.4); short protein forms P1205fs.
Identifiers: ClinVar variation 4689653 (VCV004689653.1).

ClinVar aggregate classification (germline): Uncertain significance (1 of 4 stars; one submission).

Submission:

Women's Health and Genetics/Laboratory Corporation of America, LabCorp
Classification: Uncertain significance. Last evaluated: 2026-01-05. Review status: criteria provided, single submitter. Criteria: LabCorp Variant Classification Summary - May 2015. Collection method: clinical testing. Allele origin: germline.
Comment: Variant summary: ABCA7 c.3612delG (p.Pro1205GlnfsX12) results in a premature termination codon, predicted to cause a truncation of the encoded protein or absence of the protein due to nonsense mediated decay, however current evidence is not sufficient to establish loss of function as a mechanism for disease. The variant allele was found at a frequency of 8.2e-06 in 243034 control chromosomes (gnomAD). The available data on variant occurrences in the general population are insufficient to allow any conclusion about variant significance. c.3612delG has been observed in individuals affected with Alzheimer Disease or Parkinsons Disease (Nuytemans_2016, Le Guennec_2016, Bellenguez_2017). These reports do not provide unequivocal conclusions about association of the variant with Alzheimer Disease, Type 9. To our knowledge, no experimental evidence demonstrating an impact on protein function has been reported. The following publications have been ascertained in the context of this evaluation (PMID: 27066581, 28789839, 28789839). No submitters have cited clinical-significance assessments for this variant to ClinVar. Based on the evidence outlined above, the variant was classified as uncertain significance.

Literature cited by the submitters: PubMed 28789839; PubMed 27066581.